The following is an entry in ClinVar:

NM_004380.3(CREBBP):c.5363C>T (p.Ala1788Val)

Gene: CREBBP (CREB binding lysine acetyltransferase; minus strand). Cytogenetic location: 16p13.3.
Variant type: single nucleotide variant.
Coding change: c.5363C>T on transcript NM_004380.3 (MANE Select); coding-DNA position 5363, C replaced by T.
Protein change: p.Ala1788Val; replaces alanine 1788 with valine.
Molecular consequence: missense variant.
Genome position (GRCh38, 1-based): chr16:3,729,684, G>A on the plus strand (C>T on the coding strand, the complement: CREBBP is on the minus strand). VCF-style: chr16-3729684-G-A. GRCh37 (hg19) VCF-style: chr16-3779685-G-A.
Other names: c.5249C>T, p.Ala1750Val (NM_001079846.1); short protein forms A1750V, A1788V.
Identifiers: ClinVar variation 4991057 (VCV004991057.1).

ClinVar aggregate classification (germline): Uncertain significance (1 of 4 stars; one submission).

Conditions:
CREBBP-related disorder. Also called: CREBBP-related condition; CREBBP-related disorders.

Submission:

PreventionGenetics, part of Exact Sciences
Classification: Uncertain significance for CREBBP-related condition. Last evaluated: 2026-06-29. Review status: criteria provided, single submitter. Criteria: ACMG Guidelines, 2015. Collection method: clinical testing. Allele origin: germline.
Comment: The CREBBP c.5363C>T variant is predicted to result in the amino acid substitution p.Ala1788Val. To our knowledge, this variant has not been reported in the literature or in a large population database (gnomAD), indicating this variant is rare. At this time, the clinical significance of this variant is uncertain due to the absence of conclusive functional and genetic evidence.